The following is an entry in ClinVar:

NM_020778.5(ALPK3):c.199A>T (p.Ile67Phe)

Gene: ALPK3 (alpha kinase 3; plus strand). Cytogenetic location: 15q25.3.
Variant type: single nucleotide variant.
Coding change: c.199A>T on transcript NM_020778.5 (MANE Select); coding-DNA position 199, A replaced by T.
Protein change: p.Ile67Phe; replaces isoleucine 67 with phenylalanine.
Molecular consequence: missense variant.
Genome position (GRCh38, 1-based): chr15:84,827,500, A>T. VCF-style: chr15-84827500-A-T. GRCh37 (hg19) VCF-style: chr15-85370731-A-T.
Other names: short protein forms I67F.
Identifiers: ClinVar variation 3640444 (VCV003640444.2).

ClinVar aggregate classification (germline): Uncertain significance (1 of 4 stars; one submission).

Submission:

Labcorp Genetics (formerly Invitae), Labcorp
Classification: Uncertain significance. Last evaluated: 2024-02-13. Review status: criteria provided, single submitter. Criteria: Invitae Variant Classification Sherloc (09022015). Collection method: clinical testing. Allele origin: germline.
Comment: This sequence change replaces isoleucine, which is neutral and non-polar, with phenylalanine, which is neutral and non-polar, at codon 269 of the ALPK3 protein (p.Ile269Phe). This variant is not present in population databases (gnomAD no frequency). This variant has not been reported in the literature in individuals affected with ALPK3-related conditions. An algorithm developed to predict the effect of missense changes on protein structure and function (PolyPhen-2) suggests that this variant is likely to be disruptive. In summary, the available evidence is currently insufficient to determine the role of this variant in disease. Therefore, it has been classified as a Variant of Uncertain Significance.